The following is an entry in ClinVar:

NM_001256789.3(CACNA1F):c.4553C>T (p.Ala1518Val)

Genes: CACNA1F (calcium voltage-gated channel subunit alpha1 F; minus strand), LOC126863257 (BRD4-independent group 4 enhancer GRCh37_chrX:49065732-49066931; plus strand). Cytogenetic location: Xp11.23.
Variant type: single nucleotide variant.
Coding change: c.4553C>T on transcript NM_001256789.3 (MANE Select); coding-DNA position 4553, C replaced by T.
Protein change: p.Ala1518Val; replaces alanine 1518 with valine.
Molecular consequence: missense variant.
Genome position (GRCh38, 1-based): chrX:49,210,336, G>A on the plus strand (C>T on the coding strand, the complement: CACNA1F is on the minus strand). VCF-style: chrX-49210336-G-A. GRCh37 (hg19) VCF-style: chrX-49066796-G-A.
Other names: c.4391C>T, p.Ala1464Val (NM_001256790.3); c.4586C>T, p.Ala1529Val (NM_005183.4); short protein forms A1518V, A1464V, A1529V.
Identifiers: ClinVar variation 1969945 (VCV001969945.5), dbSNP rs1557105895, ClinGen allele CA412960753.
Genomic context (GRCh38, chrX:49,210,336, plus strand): 5'-TCCCACTCCTGCCCCTCCCCTACACCTTCTGTTTTGATCTTCAGGGATGTCCGGACCAGG[G>A]CAAAGAGTGTGGCGTTGAATGTCACCGTCCCATCTGAGTTGAGGGGCATGTTCATTGCCA-3'
Protein context (NP_001243718.1, residues 1508-1528): GTVTFNATLF[Ala1518Val]LVRTSLKIKT

ClinVar aggregate classification (germline): Uncertain significance (1 of 4 stars; one submission).

gnomAD v4.1: 11 of 1,207,977 alleles (0.00091%); highest among the groups gnomAD compares: South Asian, 0.012%; no homozygotes.

Submission:

Labcorp Genetics (formerly Invitae), Labcorp
Classification: Uncertain significance. Last evaluated: 2022-09-26. Review status: criteria provided, single submitter. Criteria: Invitae Variant Classification Sherloc (09022015). Collection method: clinical testing. Allele origin: germline.
Comment: This variant has not been reported in the literature in individuals affected with CACNA1F-related conditions. This sequence change replaces alanine, which is neutral and non-polar, with valine, which is neutral and non-polar, at codon 1529 of the CACNA1F protein (p.Ala1529Val). The frequency data for this variant in the population databases is considered unreliable, as metrics indicate poor data quality at this position in the gnomAD database. Advanced modeling of protein sequence and biophysical properties (such as structural, functional, and spatial information, amino acid conservation, physicochemical variation, residue mobility, and thermodynamic stability) performed at Invitae indicates that this missense variant is expected to disrupt CACNA1F protein function. In summary, the available evidence is currently insufficient to determine the role of this variant in disease. Therefore, it has been classified as a Variant of Uncertain Significance.